The following is an entry in ClinVar:

ClinVar aggregate classification (germline): Pathogenic/Likely pathogenic. Review status: criteria provided, multiple submitters, no conflicts (2 of 4 stars). 2 submissions from 2 submitters: Pathogenic (1); Likely pathogenic (1). Last evaluated 2025-09-16.

Conditions:
Glycogen storage disease type III (GSD3). Also called: FORBES DISEASE; Cori disease. Identifiers: Orphanet 366, MedGen C0017922, MONDO:0009291, OMIM 232400.

Submissions (2):

Natera, Inc.
Classification: Likely pathogenic for Glycogen storage disease type III. Last evaluated: 2025-09-16. Review status: criteria provided, single submitter. Criteria: Natera Variant Classification Schema (03/2026). Collection method: clinical testing. Allele origin: germline.
Comment: The c.2125del variant in AGL is a frameshift variant predicted to shift the reading frame beginning at codon 709 and leads to a stop codon 21 codons downstream. This variant is expected to result in nonsense mediated decay, truncation, or a dysfunctional protein product. This variant is rare in the general population with a frequency below the threshold expected for the associated phenotype(s). Given the available evidence, this variant is classified as Likely Pathogenic.

Myriad Genetics, Inc.
Classification: Pathogenic for Glycogen storage disease type III. Last evaluated: 2025-09-07. Review status: criteria provided, single submitter. Criteria: Myriad Autosomal Dominant, Autosomal Recessive and X-Linked Classification Criteria (2023). Collection method: clinical testing. Allele origin: unknown.
Comment: NM_000642.2(AGL):c.2125delC(H709Ifs*21) is expected to be pathogenic in the context of glycogen storage disease type III. This variant is predicted to lead to an abnormal or absent protein product due to the creation of a premature termination codon in AGL, a gene where loss-of-function variants are known to be pathogenic. Please note: this variant was assessed in the context of healthy population screening.

NM_000642.3(AGL):c.2125del (p.His709fs)

Gene: AGL (amylo-alpha-1,6-glucosidase and 4-alpha-glucanotransferase; plus strand). Cytogenetic location: 1p21.2.
Variant type: Deletion.
Coding change: c.2125del on transcript NM_000642.3 (MANE Select); coding-DNA position 2125, one base deleted (C; older notation c.2125delC).
Protein change: p.His709fs; shifts the reading frame from histidine 709.
Molecular consequence: frameshift variant.
Genome position (GRCh38, 1-based): chr1:99,881,415, C deleted. VCF-style (leftmost placement, unchanged base first): chr1-99881414-TC-T. GRCh37 (hg19) VCF-style: chr1-100346970-TC-T.
Other names: c.2125del, p.His709fs (NM_000028.3, NM_000643.3, NM_000644.3 and 2 more transcripts); c.2077del, p.His693fs (NM_000646.3); c.1924del, p.His642fs (NM_001425327.1); c.1921del, p.His641fs (NM_001425328.1, NM_001425329.1); c.1747del, p.His583fs (NM_001425332.1); short protein forms H583fs, H641fs, H642fs, H693fs, H709fs.
Identifiers: ClinVar variation 4814437 (VCV004814437.2).
Genomic context (GRCh38, chr1:99,881,414, plus strand): 5'-CACAGGTGAAGTTAATTTCCAAAGCGGCATTATTGCAGCCAGGTGTGCTATCAGTAAACT[TC>T]ATCAGGAGCTTGGAGCCAAGGGTTTTATTCAGGCAAGAAATAATTAAATTTGTTTCTTCA-3'